The following is an entry in ClinVar:

ClinVar aggregate classification (germline): Uncertain significance. Review status: criteria provided, multiple submitters, no conflicts (2 of 4 stars). 2 submissions from 2 submitters: Uncertain significance (2). Last evaluated 2023-08-24.

Conditions:
REN-related disorder. Also called: REN-related condition.
Inborn genetic diseases. Identifiers: MedGen C0950123, MeSH D030342.

Allele frequency attached by ClinVar (database versions not stated): gnomAD exomes below 0.00001; TOPMed 0.00001.
gnomAD v4.1: 9 of 1,614,072 alleles (0.00056%); highest among the groups gnomAD compares: Non-Finnish European, 0.00059%; no homozygotes.

Submissions (2):

PreventionGenetics, part of Exact Sciences
Classification: Uncertain significance for REN-related condition. Last evaluated: 2023-08-24. Review status: criteria provided, single submitter. Criteria: ACMG Guidelines, 2015. Collection method: clinical testing. Allele origin: germline.
Comment: The REN c.631G>A variant is predicted to result in the amino acid substitution p.Asp211Asn. To our knowledge, this variant has not been reported in the literature. This variant is reported in 0.00088% of alleles in individuals of European (Non-Finnish) descent in gnomAD. At this time, the clinical significance of this variant is uncertain due to the absence of conclusive functional and genetic evidence.

Ambry Genetics
Classification: Uncertain significance for Inborn genetic diseases. Last evaluated: 2022-09-14. Review status: criteria provided, single submitter. Criteria: Ambry Variant Classification Scheme 2023. Collection method: clinical testing. Allele origin: germline.

NM_000537.4(REN):c.631G>A (p.Asp211Asn)

Gene: REN (renin; minus strand). Cytogenetic location: 1q32.1.
Variant type: single nucleotide variant.
Coding change: c.631G>A on transcript NM_000537.4 (MANE Select); coding-DNA position 631, G replaced by A.
Protein change: p.Asp211Asn; replaces aspartic acid 211 with asparagine.
Molecular consequence: missense variant.
Genome position (GRCh38, 1-based): chr1:204,159,457, C>T on the plus strand (G>A on the coding strand, the complement: REN is on the minus strand). VCF-style: chr1-204159457-C-T. GRCh37 (hg19) VCF-style: chr1-204128585-C-T.
Other names: short protein forms D211N.
Identifiers: ClinVar variation 2216306 (VCV002216306.3), dbSNP rs764665629, ClinGen allele CA1344877.